The following is an entry in ClinVar:

NM_003742.4(ABCB11):c.383G>A (p.Arg128His)

Gene: ABCB11 (ATP binding cassette subfamily B member 11; minus strand). Cytogenetic location: 2q31.1.
Variant type: single nucleotide variant.
Coding change: c.383G>A on transcript NM_003742.4 (MANE Select); coding-DNA position 383, G replaced by A.
Protein change: p.Arg128His; replaces arginine 128 with histidine.
Molecular consequence: missense variant.
Genome position (GRCh38, 1-based): chr2:169,013,278, C>T on the plus strand (G>A on the coding strand, the complement: ABCB11 is on the minus strand). VCF-style: chr2-169013278-C-T. GRCh37 (hg19) VCF-style: chr2-169869788-C-T.
Other names: c.383G>A, p.Arg128His (LRG_1199t1); c.383G>A (NM_003742.2); short protein forms R128H.
Identifiers: ClinVar variation 502744 (VCV000502744.37), dbSNP rs181533618, ClinGen allele CA1951913.

ClinVar aggregate classification (germline): Conflicting classifications of pathogenicity. Review status: criteria provided, conflicting classifications (1 of 4 stars). 5 submissions from 5 submitters: Uncertain significance (1); Likely benign (3). 1 of the submissions does not count toward it. Last evaluated 2026-04-14.

Conditions:
ABCB11-related disorder. Also called: ABCB11-related condition.
Familial intrahepatic cholestasis. Identifiers: Orphanet 284385, MedGen CN296401, MONDO:0017290.

Allele frequency attached by ClinVar (database versions not stated): gnomAD exomes 0.00006 and 0.00016; ExAC 0.00019; gnomAD 0.00061 and 0.00066; TOPMed 0.00075; 1000 Genomes Project 0.00080; 1000 Genomes Project 30x 0.00094; ESP Exome Variant Server 0.00126.
gnomAD v4.1: 185 of 1,606,188 alleles (0.012%); highest among the groups gnomAD compares: African/African-American, 0.19%; 1 homozygote.

Submissions (5):

Genomenon, Inc
Classification: Likely benign for Familial intrahepatic cholestasis. Last evaluated: 2026-04-14. Review status: criteria provided, single submitter. Criteria: Genomenon Sequence Variant Interpretation Standards - Updated. Collection method: curation. Allele origin: germline. Affected: no.
Comment: ABCB11 p.Arg128His (c.383G>A) is a missense variant that changes the amino acid at residue 128 from Arginine to Histidine. This variant has been reported in the published literature (PMID:22795478). This variant's allele frequency in gnomAD is greater than expected for this disorder. In conclusion, we classify ABCB11 p.Arg128His (c.383G>A) as a likely benign variant.

Labcorp Genetics (formerly Invitae), Labcorp
Classification: Likely benign. Last evaluated: 2026-01-19. Review status: criteria provided, single submitter. Criteria: Invitae Variant Classification Sherloc (09022015). Collection method: clinical testing. Allele origin: germline.

CeGaT Center for Human Genetics Tuebingen
Classification: Likely benign. Last evaluated: 2023-11-01. Review status: criteria provided, single submitter. Criteria: CeGaT Center For Human Genetics Tuebingen Variant Classification Criteria Version 2. Collection method: clinical testing. Allele origin: germline. Affected: yes. Observed: 1 variant allele.
Comment: ABCB11: BP4

Eurofins Ntd Llc (ga)
Classification: Uncertain significance. Last evaluated: 2018-02-22. Review status: criteria provided, single submitter. Criteria: EGL ClinVar v180209 classification definitions. Collection method: clinical testing. Allele origin: germline. Observed: 4 variant alleles, 4 heterozygotes.

PreventionGenetics, part of Exact Sciences
Classification: Likely benign for ABCB11-related condition. Last evaluated: 2023-09-11. Review status: no assertion criteria provided. Collection method: clinical testing. Allele origin: germline. Not counted in ClinVar's aggregate classification.
Comment: This variant is classified as likely benign based on ACMG/AMP sequence variant interpretation guidelines (Richards et al. 2015 PMID: 25741868, with internal and published modifications).

Literature cited by the submitters: PubMed 22795478 (cited by Genomenon, Inc).